The following is an entry in ClinVar:

NM_001160372.4(TRAPPC9):c.674_677del (p.His225fs)

Gene: TRAPPC9 (trafficking protein particle complex subunit 9; minus strand). Cytogenetic location: 8q24.3.
Variant type: Deletion.
Coding change: c.674_677del on transcript NM_001160372.4 (MANE Select); coding-DNA positions 674 to 677, 4 bases deleted (ATTA; older notation c.674_677delATTA).
Protein change: p.His225fs; shifts the reading frame from histidine 225.
Molecular consequence: frameshift variant. On other transcripts: non-coding transcript variant (1).
Genome position (GRCh38, 1-based): chr8:140,439,105-140,439,108, TAAT deleted on the plus strand (ATTA on the coding strand, the reverse complement: TRAPPC9 is on the minus strand). VCF-style (leftmost placement, unchanged base first): chr8-140439104-GTAAT-G. GRCh37 (hg19) VCF-style: chr8-141449203-GTAAT-G.
Other names: c.674_677del, p.His225fs (NM_001321646.2, NM_001374683.1, NM_001374684.1 and 1 more transcripts); c.695_698del, p.His232fs (NM_001374682.1); short protein forms H225fs, H232fs.
Identifiers: ClinVar variation 5007277 (VCV005007277.2).

ClinVar aggregate classification (germline): Likely pathogenic (1 of 4 stars; one submission).

Conditions:
Intellectual developmental disorder, autosomal recessive 13. Also called: Intellectual disability, autosomal recessive 13. Identifiers: Orphanet 88616, MedGen C2750791, MONDO:0013173, OMIM 613192.

Submission:

Juno Genomics, Hangzhou Juno Genomics, Inc
Classification: Likely pathogenic for Intellectual developmental disorder, autosomal recessive 13. Review status: criteria provided, single submitter. Criteria: ACMG Guidelines, 2015. Collection method: clinical testing. Allele origin: germline.
Comment: Null variant in a gene where loss of function (LOF) is a known mechanism of disease.;Absent from controls (or at extremely low frequency if recessive) in Genome Aggregation Database.